The following is an entry in ClinVar:

NM_001127208.3(TET2):c.2643G>T (p.Arg881Ser)

Genes: TET2 (tet methylcytosine dioxygenase 2; plus strand), TET2-AS1 (TET2 antisense RNA 1; minus strand). Cytogenetic location: 4q24.
Variant type: single nucleotide variant.
Coding change: c.2643G>T on transcript NM_001127208.3 (MANE Select); coding-DNA position 2643, G replaced by T.
Protein change: p.Arg881Ser; replaces arginine 881 with serine.
Molecular consequence: missense variant.
Genome position (GRCh38, 1-based): chr4:105,236,585, G>T. VCF-style: chr4-105236585-G-T. GRCh37 (hg19) VCF-style: chr4-106157742-G-T.
Other names: c.2643G>T, p.Arg881Ser (NM_017628.4); short protein forms R881S.
Identifiers: ClinVar variation 3455388 (VCV003455388.1).

ClinVar aggregate classification (germline): Uncertain significance (1 of 4 stars; one submission).

Submission:

Ambry Genetics
Classification: Uncertain significance. Last evaluated: 2024-12-08. Review status: criteria provided, single submitter. Criteria: Ambry Variant Classification Scheme 2023. Collection method: clinical testing. Allele origin: germline.
Comment: The p.R881S variant (also known as c.2643G>T), located in coding exon 1 of the TET2 gene, results from a G to T substitution at nucleotide position 2643. The arginine at codon 881 is replaced by serine, an amino acid with dissimilar properties. This amino acid position is conserved. In addition, this alteration is predicted to be tolerated by in silico analysis. Based on the available evidence, the clinical significance of this variant remains unclear.